The following is an entry in ClinVar:

ClinVar aggregate classification (germline): Likely pathogenic (1 of 4 stars; one submission).

Conditions:
Becker muscular dystrophy, Cardiomyopathy, Duchenne muscular dystrophy, Dystrophin deficiency.

Submission:

Natera, Inc.
Classification: Likely pathogenic for Becker muscular dystrophy, Cardiomyopathy, Duchenne muscular dystrophy, Dystrophin deficiency. Last evaluated: 2024-06-03. Review status: criteria provided, single submitter. Criteria: Natera Variant Classification Schema (03/2026). Collection method: clinical testing. Allele origin: germline.
Comment: The c.3842G>A variant in DMD is a nonsense variant predicted to introduce a stop codon at amino acid 1281. This variant is expected to result in nonsense mediated decay, truncation, or a dysfunctional protein product. This variant is rare in the general population with a frequency below the threshold expected for the associated phenotype(s). Given the available evidence, this variant is classified as Likely Pathogenic.

NM_004006.3(DMD):c.3842G>A (p.Trp1281Ter)

Gene: DMD (dystrophin; minus strand). Cytogenetic location: Xp21.1.
Variant type: single nucleotide variant.
Coding change: c.3842G>A on transcript NM_004006.3 (MANE Select); coding-DNA position 3842, G replaced by A.
Protein change: p.Trp1281Ter; replaces tryptophan 1281 with a stop codon.
Molecular consequence: nonsense.
Genome position (GRCh38, 1-based): chrX:32,441,259, C>T on the plus strand (G>A on the coding strand, the complement: DMD is on the minus strand). VCF-style: chrX-32441259-C-T. GRCh37 (hg19) VCF-style: chrX-32459376-C-T.
Other names: c.3818G>A, p.Trp1273Ter (NM_000109.4); c.3830G>A, p.Trp1277Ter (NM_004009.3); c.3473G>A, p.Trp1158Ter (NM_004010.3); short protein forms W1158*, W1273*, W1277*, W1281*.
Identifiers: ClinVar variation 4815307 (VCV004815307.1).